The following is an entry in ClinVar:

ClinVar aggregate classification (germline): Conflicting classifications of pathogenicity. Review status: criteria provided, conflicting classifications (1 of 4 stars). 2 submissions from 2 submitters: Uncertain significance (1); Likely benign (1). Last evaluated 2026-01-11.

Conditions:
Ullrich congenital muscular dystrophy 2 (UCMD2). Identifiers: Orphanet 75840, MedGen C4225314, MONDO:0014654, OMIM 616470.
Bethlem myopathy 2 (BTHLM2). Identifiers: Orphanet 536516, Orphanet 610, MedGen C4225313, MONDO:0034022, OMIM 616471.

Allele frequency attached by ClinVar (database versions not stated): TOPMed 0.00004.
gnomAD v4.1: 24 of 1,592,050 alleles (0.0015%); highest among the groups gnomAD compares: African/African-American, 0.0027%; no homozygotes.

Submissions (2):

Labcorp Genetics (formerly Invitae), Labcorp
Classification: Likely benign for Bethlem myopathy 2; Ullrich congenital muscular dystrophy 2. Last evaluated: 2026-01-11. Review status: criteria provided, single submitter. Criteria: Invitae Variant Classification Sherloc (09022015). Collection method: clinical testing. Allele origin: germline.

GeneDx
Classification: Uncertain significance. Last evaluated: 2019-02-13. Review status: criteria provided, single submitter. Criteria: GeneDx Variant Classification Process June 2021. Collection method: clinical testing. Allele origin: germline. Affected: yes.
Comment: Not observed at a significant frequency in large population cohorts (Lek et al., 2016); In silico analysis, which includes protein predictors and evolutionary conservation, supports that this variant does not alter protein structure/function; Has not been previously published as pathogenic or benign to our knowledge

NM_004370.6(COL12A1):c.2173G>A (p.Ala725Thr)

Gene: COL12A1 (collagen type XII alpha 1 chain; minus strand). Cytogenetic location: 6q13.
Variant type: single nucleotide variant.
Coding change: c.2173G>A on transcript NM_004370.6 (MANE Select); coding-DNA position 2173, G replaced by A.
Protein change: p.Ala725Thr; replaces alanine 725 with threonine.
Molecular consequence: missense variant. On other transcripts: intron variant (1).
Genome position (GRCh38, 1-based): chr6:75,177,927, C>T on the plus strand (G>A on the coding strand, the complement: COL12A1 is on the minus strand). VCF-style: chr6-75177927-C-T. GRCh37 (hg19) VCF-style: chr6-75887643-C-T.
Other names: c.73+24793G>A (NM_080645.3); short protein forms A725T.
Identifiers: ClinVar variation 946830 (VCV000946830.11), dbSNP rs984509796, ClinGen allele CA141025236.